The following is an entry in ClinVar:

NM_000465.4(BARD1):c.739T>C (p.Ser247Pro)

Gene: BARD1 (BRCA1 associated RING domain 1; minus strand). Cytogenetic location: 2q35.
Variant type: single nucleotide variant.
Coding change: c.739T>C on transcript NM_000465.4 (MANE Select); coding-DNA position 739, T replaced by C.
Protein change: p.Ser247Pro; replaces serine 247 with proline.
Molecular consequence: missense variant. On other transcripts: non-coding transcript variant (2), intron variant (3).
Genome position (GRCh38, 1-based): chr2:214,781,135, A>G on the plus strand (T>C on the coding strand, the complement: BARD1 is on the minus strand). VCF-style: chr2-214781135-A-G. GRCh37 (hg19) VCF-style: chr2-215645859-A-G.
Other names: c.682T>C, p.Ser228Pro (NM_001282543.2); c.158+28277T>C (NM_001282548.2); c.215+15926T>C (NM_001282545.2); c.364+11162T>C (NM_001282549.2); short protein forms S228P, S247P.
Identifiers: ClinVar variation 3231806 (VCV003231806.1), dbSNP rs2469509041, ClinGen allele CA350456120.
Genomic context (GRCh38, chr2:214,781,135, plus strand): 5'-TCAAGGAGCCACTTGCTAGTAAGTCTATTTCACCATTTATCTGAGGACTGGAGATAACAG[A>G]TGGTTGGCTACAGAAGGATACCAGCTTTTGCTTAGATTCCTCTTTGGAGTCAAATTCACC-3'
Protein context (NP_000456.2, residues 237-257): QKLVSFCSQP[Ser247Pro]VISSPQINGE

ClinVar aggregate classification (germline): Uncertain significance (1 of 4 stars; one submission).

Conditions:
Hereditary cancer-predisposing syndrome. Also called: Neoplastic Syndromes, Hereditary; Tumor predisposition; Hereditary neoplastic syndrome; Hereditary Cancer Syndrome. Identifiers: Orphanet 140162, MedGen C0027672, MeSH D009386, MONDO:0015356.

Submission:

Ambry Genetics
Classification: Uncertain significance for Hereditary cancer-predisposing syndrome. Last evaluated: 2023-10-12. Review status: criteria provided, single submitter. Criteria: Ambry Variant Classification Scheme 2023. Collection method: clinical testing. Allele origin: germline.
Comment: The p.S247P variant (also known as c.739T>C), located in coding exon 4 of the BARD1 gene, results from a T to C substitution at nucleotide position 739. The serine at codon 247 is replaced by proline, an amino acid with similar properties. This amino acid position is conserved. In addition, this alteration is predicted to be tolerated by in silico analysis. Since supporting evidence is limited at this time, the clinical significance of this alteration remains unclear.